The following is an entry in ClinVar:

ClinVar aggregate classification (germline): Likely benign (1 of 4 stars; one submission).

Conditions:
BBS5-related disorder. Also called: BBS5-related condition.

Submission:

PreventionGenetics, part of Exact Sciences
Classification: Likely benign for BBS5-related condition. Last evaluated: 2024-12-17. Review status: criteria provided, single submitter. Criteria: ACMG Guidelines, 2015. Collection method: clinical testing. Allele origin: germline.
Comment: This variant is classified as likely benign based on ACMG/AMP sequence variant interpretation guidelines (Richards et al. 2015 PMID: 25741868, with internal and published modifications).

NM_152384.3(BBS5):c.*2T>G

Gene: BBS5 (Bardet-Biedl syndrome 5; plus strand). Cytogenetic location: 2q31.1.
Variant type: single nucleotide variant.
Coding change: c.*2T>G on transcript NM_152384.3 (MANE Select); 2 bases downstream of the stop codon, T replaced by G.
Molecular consequence: 3 prime UTR variant.
Genome position (GRCh38, 1-based): chr2:169,504,584, T>G. VCF-style: chr2-169504584-T-G. GRCh37 (hg19) VCF-style: chr2-170361094-T-G.
Identifiers: ClinVar variation 4978008 (VCV004978008.1).